The following is an entry in ClinVar:

ClinVar aggregate classification (germline): Uncertain significance (1 of 4 stars; one submission).

Allele frequency attached by ClinVar (database versions not stated): gnomAD exomes below 0.00001.
gnomAD v4.1: 1 of 1,614,130 alleles (0.000062%); highest among the groups gnomAD compares: South Asian, 0.0011%; no homozygotes.

Submission:

Labcorp Genetics (formerly Invitae), Labcorp
Classification: Uncertain significance. Last evaluated: 2023-11-28. Review status: criteria provided, single submitter. Criteria: Invitae Variant Classification Sherloc (09022015). Collection method: clinical testing. Allele origin: germline.
Comment: This sequence change replaces glutamic acid, which is acidic and polar, with valine, which is neutral and non-polar, at codon 222 of the NFE2L2 protein (p.Glu222Val). This variant is not present in population databases (gnomAD no frequency). This variant has not been reported in the literature in individuals affected with NFE2L2-related conditions. ClinVar contains an entry for this variant (Variation ID: 1358194). Advanced modeling of protein sequence and biophysical properties (such as structural, functional, and spatial information, amino acid conservation, physicochemical variation, residue mobility, and thermodynamic stability) performed at Invitae indicates that this missense variant is not expected to disrupt NFE2L2 protein function with a negative predictive value of 80%. Algorithms developed to predict the effect of sequence changes on RNA splicing suggest that this variant may disrupt the consensus splice site. In summary, the available evidence is currently insufficient to determine the role of this variant in disease. Therefore, it has been classified as a Variant of Uncertain Significance.

NM_006164.5(NFE2L2):c.665A>T (p.Glu222Val)

Gene: NFE2L2 (NFE2 like bZIP transcription factor 2; minus strand). Cytogenetic location: 2q31.2.
Variant type: single nucleotide variant.
Coding change: c.665A>T on transcript NM_006164.5 (MANE Select); coding-DNA position 665, A replaced by T.
Protein change: p.Glu222Val; replaces glutamic acid 222 with valine.
Molecular consequence: missense variant.
Genome position (GRCh38, 1-based): chr2:177,231,938, T>A on the plus strand (A>T on the coding strand, the complement: NFE2L2 is on the minus strand). VCF-style: chr2-177231938-T-A. GRCh37 (hg19) VCF-style: chr2-178096666-T-A.
Other names: c.617A>T, p.Glu206Val (NM_001145412.3, NM_001313900.1, NM_001313901.1); c.596A>T, p.Glu199Val (NM_001145413.3); c.575A>T, p.Glu192Val (NM_001313902.2); c.446A>T, p.Glu149Val (NM_001313903.2); c.365A>T, p.Glu122Val (NM_001313904.1); short protein forms E192V, E206V, E199V, E222V, E122V, E149V.
Identifiers: ClinVar variation 1358194 (VCV001358194.8), dbSNP rs2105454330, ClinGen allele CA349374567.